The following is an entry in ClinVar:

ClinVar aggregate classification (germline): Uncertain significance (1 of 4 stars; one submission).

Submission:

Labcorp Genetics (formerly Invitae), Labcorp
Classification: Uncertain significance. Last evaluated: 2025-08-13. Review status: criteria provided, single submitter. Criteria: Invitae Variant Classification Sherloc (09022015). Collection method: clinical testing. Allele origin: germline.
Comment: This sequence change replaces glycine, which is neutral and non-polar, with alanine, which is neutral and non-polar, at codon 358 of the DDX58 protein (p.Gly358Ala). This variant is not present in population databases (gnomAD no frequency). This variant has not been reported in the literature in individuals affected with DDX58-related conditions. ClinVar contains an entry for this variant (Variation ID: 2167389). Invitae Evidence Modeling of protein sequence and biophysical properties (such as structural, functional, and spatial information, amino acid conservation, physicochemical variation, residue mobility, and thermodynamic stability) indicates that this missense variant is not expected to disrupt DDX58 protein function with a negative predictive value of 80%. In summary, the available evidence is currently insufficient to determine the role of this variant in disease. Therefore, it has been classified as a Variant of Uncertain Significance.

NM_014314.4(RIGI):c.1073G>C (p.Gly358Ala)

Gene: RIGI (RNA sensor RIG-I; minus strand). Cytogenetic location: 9p21.1.
Variant type: single nucleotide variant.
Coding change: c.1073G>C on transcript NM_014314.4 (MANE Select); coding-DNA position 1073, G replaced by C.
Protein change: p.Gly358Ala; replaces glycine 358 with alanine.
Molecular consequence: missense variant.
Genome position (GRCh38, 1-based): chr9:32,488,084, C>G on the plus strand (G>C on the coding strand, the complement: RIGI is on the minus strand). VCF-style: chr9-32488084-C-G. GRCh37 (hg19) VCF-style: chr9-32488082-C-G.
Other names: c.1067G>C, p.Gly356Ala (NM_001385907.1); c.1073G>C, p.Gly358Ala (NM_001385909.1); c.632G>C, p.Gly211Ala (NM_001385910.1); c.464G>C, p.Gly155Ala (NM_001385912.1); c.1058G>C, p.Gly353Ala (NM_001385913.1); c.629G>C, p.Gly210Ala (NM_001385914.1); short protein forms G211A, G210A, G356A, G353A, G358A, G155A.
Identifiers: ClinVar variation 2167389 (VCV002167389.4), dbSNP rs145457417, ClinGen allele CA373157882.